The following is an entry in ClinVar:

ClinVar aggregate classification (germline): Benign. Review status: criteria provided, multiple submitters, no conflicts (2 of 4 stars). 12 submissions from 12 submitters: Benign (11). 1 of the submissions does not count toward it. Last evaluated 2026-02-04.

Conditions:
Familial sleep-related hypermotor epilepsy. Also called: Autosomal Dominant Sleep-Related Hypermotor (Hyperkinetic) Epilepsy. Identifiers: Orphanet 98784, MedGen C3696898, MONDO:0000030.
Autosomal dominant nocturnal frontal lobe epilepsy 1. Also called: EPILEPSY, NOCTURNAL FRONTAL LOBE, TYPE 1; CHRNA4-Related Nocturnal Frontal Lobe Epilepsy, Autosomal Dominant. Identifiers: Orphanet 98784, MedGen C1838049, MONDO:0010899, OMIM 600513.
Inborn genetic diseases. Identifiers: MedGen C0950123, MeSH D030342.

Allele frequency attached by ClinVar (database versions not stated): gnomAD 0.80763 and 0.82837; ESP Exome Variant Server 0.84330; TOPMed 0.84932; 1000 Genomes Project 30x 0.85837; 1000 Genomes Project 0.86362; ExAC 0.91955; gnomAD exomes 0.92003 and 0.92268.
gnomAD v4.1: 1,462,428 of 1,604,470 alleles (91%); highest among the groups gnomAD compares: East Asian, 94%; 666,892 homozygotes.

Submissions (12):

Labcorp Genetics (formerly Invitae), Labcorp
Classification: Benign. Last evaluated: 2026-02-04. Review status: criteria provided, single submitter. Criteria: Invitae Variant Classification Sherloc (09022015). Collection method: clinical testing. Allele origin: germline.

Blueprint Genetics
Classification: Benign. Last evaluated: 2024-11-28. Review status: criteria provided, single submitter. Criteria: ACMG Guidelines, 2015. Collection method: clinical testing. Allele origin: germline.

Unidad de Genómica Garrahan, Hospital de Pediatría Garrahan
Classification: Benign. Last evaluated: 2024-07-15. Review status: criteria provided, single submitter. Criteria: ACMG Guidelines, 2015. Collection method: clinical testing. Allele origin: germline. Affected: no. Observed: 93 variant alleles.
Comment: This variant is classified as Benign based on local population frequency. This variant was detected in 100% of patients studied in a panel designed for Epileptic and Developmental Encephalopathy and Progressive Myoclonus Epilepsy. Number of patients: 93. Only high quality variants are reported.

Genome-Nilou Lab
Classification: Benign for Autosomal dominant nocturnal frontal lobe epilepsy 1. Last evaluated: 2021-07-22. Review status: criteria provided, single submitter. Criteria: ACMG Guidelines, 2015. Collection method: clinical testing. Allele origin: germline. Affected: no.

Mayo Clinic Laboratories, Mayo Clinic
Classification: Benign. Last evaluated: 2018-04-02. Review status: criteria provided, single submitter. Criteria: ACMG Guidelines, 2015. Collection method: clinical testing. Allele origin: germline. Observed: 539 variant alleles.

Athena Diagnostics
Classification: Benign. Last evaluated: 2017-05-24. Review status: criteria provided, single submitter. Criteria: Athena Diagnostics Criteria. Collection method: clinical testing. Allele origin: germline.

Eurofins Ntd Llc (ga)
Classification: Benign. Last evaluated: 2016-03-16. Review status: criteria provided, single submitter. Criteria: EGL Classification Definitions 2015. Collection method: clinical testing. Allele origin: germline. Observed: 6 variant alleles, 6 homozygotes.

Ambry Genetics
Classification: Benign for Inborn genetic diseases. Last evaluated: 2016-01-08. Review status: criteria provided, single submitter. Criteria: Ambry Variant Classification Scheme 2023. Collection method: clinical testing. Allele origin: germline.

GeneDx
Classification: Benign. Last evaluated: 2015-03-03. Review status: criteria provided, single submitter. Criteria: GeneDx Variant Classification Process June 2021. Collection method: clinical testing. Allele origin: germline. Affected: yes.

Breakthrough Genomics
Classification: Benign. Review status: criteria provided, single submitter. Criteria: ACMG Guidelines, 2015. Collection method: not provided. Allele origin: germline. Inheritance: Autosomal dominant inheritance. Affected: yes.

PreventionGenetics, part of Exact Sciences
Classification: Benign. Review status: criteria provided, single submitter. Criteria: ACMG Guidelines, 2015. Collection method: clinical testing. Allele origin: germline.

Genetic Services Laboratory, University of Chicago
Classification: Likely benign for AllHighlyPenetrant. Review status: no assertion criteria provided. Collection method: clinical testing. Allele origin: germline. Inheritance: Autosomal dominant inheritance. Not counted in ClinVar's aggregate classification.
Comment: Likely benign based on allele frequency in 1000 Genomes Project or ESP global frequency and its presence in a patient with a rare or unrelated disease phenotype. NOT Sanger confirmed.

NM_000744.7(CHRNA4):c.678T>C (p.Cys226=)

Gene: CHRNA4 (cholinergic receptor nicotinic alpha 4 subunit; minus strand). Cytogenetic location: 20q13.33.
Variant type: single nucleotide variant.
Coding change: c.678T>C on transcript NM_000744.7 (MANE Select); coding-DNA position 678, T replaced by C.
Protein change: p.Cys226=; no amino-acid change (cysteine 226 retained).
Molecular consequence: synonymous variant. On other transcripts: non-coding transcript variant (1).
Genome position (GRCh38, 1-based): chr20:63,350,733, A>G on the plus strand (T>C on the coding strand, the complement: CHRNA4 is on the minus strand). VCF-style: chr20-63350733-A-G. GRCh37 (hg19) VCF-style: chr20-61982085-A-G.
Other names: p.Cys226=; c.150T>C, p.Cys50= (NM_001256573.2).
Identifiers: ClinVar variation 128750 (VCV000128750.31), dbSNP rs1044394, ClinGen allele CA152387.